The following is an entry in ClinVar:

NM_000059.4(BRCA2):c.780A>T (p.Glu260Asp)

Gene: BRCA2 (BRCA2 DNA repair associated; plus strand). Cytogenetic location: 13q13.1.
Variant type: single nucleotide variant.
Coding change: c.780A>T on transcript NM_000059.4 (MANE Select); coding-DNA position 780, A replaced by T.
Protein change: p.Glu260Asp; replaces glutamic acid 260 with aspartic acid.
Molecular consequence: missense variant. On other transcripts: non-coding transcript variant (1).
Genome position (GRCh38, 1-based): chr13:32,331,017, A>T. VCF-style: chr13-32331017-A-T. GRCh37 (hg19) VCF-style: chr13-32905154-A-T.
Other names: c.780A>T, p.Glu260Asp (NM_001406719.1, NM_001406720.1, NM_001406721.1); c.411A>T, p.Glu137Asp (NM_001406722.1); short protein forms E137D, E260D.
Identifiers: ClinVar variation 2586304 (VCV002586304.2), dbSNP rs2137462235, ClinGen allele CA387760211.

ClinVar aggregate classification (germline): Uncertain significance (1 of 4 stars; one submission).

Conditions:
Hereditary cancer-predisposing syndrome. Also called: Hereditary neoplastic syndrome; Tumor predisposition; Hereditary Cancer Syndrome; Neoplastic Syndromes, Hereditary. Identifiers: Orphanet 140162, MedGen C0027672, MeSH D009386, MONDO:0015356.

Submission:

Ambry Genetics
Classification: Uncertain significance for Hereditary cancer-predisposing syndrome. Last evaluated: 2023-08-02. Review status: criteria provided, single submitter. Criteria: Ambry Variant Classification Scheme 2023. Collection method: clinical testing. Allele origin: germline.
Comment: The p.E260D variant (also known as c.780A>T), located in coding exon 8 of the BRCA2 gene, results from an A to T substitution at nucleotide position 780. The glutamic acid at codon 260 is replaced by aspartic acid, an amino acid with highly similar properties. This amino acid position is conserved. In addition, this alteration is predicted to be tolerated by in silico analysis. Since supporting evidence is limited at this time, the clinical significance of this alteration remains unclear.